The following is an entry in ClinVar:

ClinVar aggregate classification (germline): Likely pathogenic. Review status: reviewed by expert panel (3 of 4 stars). 2 submissions from 2 submitters: Likely pathogenic (1). 1 of the submissions does not count toward it. Last evaluated 2023-04-25.

Conditions:
Very long chain acyl-CoA dehydrogenase deficiency (ACADVLD). Also called: Very Long-Chain Acyl-Coenzyme A Dehydrogenase Deficiency; VLCAD Deficiency. Identifiers: Orphanet 26793, MedGen C3887523, MONDO:0008723, OMIM 201475.

Submissions (2):

ClinGen ACADVL Variant Curation Expert Panel, ClinGen
Classification: Likely pathogenic for Very long chain acyl-CoA dehydrogenase deficiency. Last evaluated: 2023-04-25. Review status: reviewed by expert panel. Criteria: clingen acadvl acmg specifications v1. Collection method: curation. Allele origin: germline. Inheritance: Autosomal recessive inheritance.
Comment: The c.879-8T>A variant in ACADVL is an intronic variant which occurs in intron 9. The variant has been reported twice in the literature in one individual with very long chain acyl-CoA dehydrogenase (VLCAD) deficiency displaying increased C14:1 acylcarnitine levels, which is highly specific for VLCAD deficiency (PP4; PMID: 19208414; PMID: 20668464). In this same proband, the variant was detected confirmed in-trans with the pathogenic variant c.848T>C (PM3; PMID: 19208414). This variant is absent from gnomAD v2.1.1 (PM2_Supporting). The computational splicing predictor SpliceAI gives a score of 0.64 for acceptor loss and 0.98 for acceptor gain, predicting that the variant disrupts the acceptor splice site of intron 9 of ACADVL (PP3). RNA sequencing in patient-derived cells demonstrated the presence of alternately spliced transcripts in a proband and the VCEP considered PM4 for an in-frame insertion of two amino acids, but this information is incomplete (PS3_supporting; PMID: 19208414). In summary, this variant meets the criteria to be classified as likely pathogenic for autosomal recessive VLCAD deficiency based on the ACMG/AMP criteria applied, as specified by the ClinGen ACADVL Variant Curation Expert Panel: PP4, PM3, PM2_Supporting, PP3, PS3_Supporting (ACADVL VCEP specifications version 1; approved November 8, 2021).

Wong Mito Lab, Molecular and Human Genetics, Baylor College of Medicine
Classification: Pathogenic for Very long chain acyl-CoA dehydrogenase deficiency. Last evaluated: 2019-11-01. Review status: criteria provided, single submitter. Criteria: ACMG Guidelines, 2015. Collection method: clinical testing. Allele origin: germline. Not counted in ClinVar's aggregate classification.
Comment: The NM_000018.3:c.879-8T>A (NP_000009.1:p.?) [GRCH38: NC_000017.11:g.7222659T>A] variant in ACADVL gene is interpretated to be Pathogenic based on ACMG guidelines (PMID: 25741868). This variant has been reported in PMID: 19208414 . This variant meets the following evidence codes reported in the ACMG guidelines: PVS1, PS3

Literature cited by the submitters: PubMed 19208414 (cited by Wong Mito Lab, Molecular and Human Genetics, Baylor College of Medicine).

NM_000018.4(ACADVL):c.879-8T>A

Gene: ACADVL (acyl-CoA dehydrogenase very long chain; plus strand). Cytogenetic location: 17p13.1.
Variant type: single nucleotide variant.
Coding change: c.879-8T>A on transcript NM_000018.4 (MANE Select); 8 bases into the intron before coding-DNA position 879, T replaced by A.
Molecular consequence: intron variant.
Genome position (GRCh38, 1-based): chr17:7,222,659, T>A. VCF-style: chr17-7222659-T-A. GRCh37 (hg19) VCF-style: chr17-7125978-T-A.
Other names: NM_000018.4:c.879-8T>A; c.948-8T>A (NM_001270447.2); c.651-8T>A (NM_001270448.2); c.813-8T>A (NM_001033859.3).
Identifiers: ClinVar variation 932828 (VCV000932828.3), dbSNP rs2071286355, ClinGen allele CA915940901.
Genomic context (GRCh38, chr17:7,222,659, plus strand): 5'-GGAGCAGTTTTTCCCCCAGTGACAACCTGTTGAACACACCTCTGCTTTCCCACACTGCCC[T>A]GACACAGTGGGCCCCCTGAGAAGAAGATGGGCATCAAGGCTTCAAACACAGCAGAGGTGT-3'